The following is an entry in ClinVar:

ClinVar aggregate classification (germline): Likely pathogenic (1 of 4 stars; one submission).

Allele frequency attached by ClinVar (database versions not stated): gnomAD exomes 0.00001.
gnomAD v4.1: 3 of 1,613,572 alleles (0.00019%); highest among the groups gnomAD compares: Middle Eastern, 0.05%; no homozygotes.

Submission:

GeneDx
Classification: Likely pathogenic. Last evaluated: 2024-09-04. Review status: criteria provided, single submitter. Criteria: GeneDx Variant Classification Process June 2021. Collection method: clinical testing. Allele origin: germline. Affected: yes.
Comment: Not observed at significant frequency in large population cohorts (gnomAD); In silico analysis supports that this missense variant has a deleterious effect on protein structure/function; Has not been previously published as pathogenic or benign to our knowledge; This variant is associated with the following publications: (PMID: 11259172)

NM_000157.4(GBA1):c.518C>A (p.Thr173Asn)

Genes: GBA1 (glucosylceramidase beta 1; minus strand), LOC106627981 (GBA recombination region; plus strand). Cytogenetic location: 1q22.
Variant type: single nucleotide variant.
Coding change: c.518C>A on transcript NM_000157.4 (MANE Select); coding-DNA position 518, C replaced by A.
Protein change: p.Thr173Asn; replaces threonine 173 with asparagine.
Molecular consequence: missense variant.
Genome position (GRCh38, 1-based): chr1:155,238,587, G>T on the plus strand (C>A on the coding strand, the complement: GBA1 is on the minus strand). VCF-style: chr1-155238587-G-T. GRCh37 (hg19) VCF-style: chr1-155208378-G-T.
Other names: c.518C>A, p.Thr173Asn (NM_001005741.3, NM_001005742.3); c.257C>A, p.Thr86Asn (NM_001171811.2); c.371C>A, p.Thr124Asn (NM_001171812.2); short protein forms T124N, T173N, T86N.
Identifiers: ClinVar variation 1214070 (VCV001214070.5), dbSNP rs78657146, ClinGen allele CA342724310.